The following is an entry in ClinVar:

NM_003742.4(ABCB11):c.851T>C (p.Val284Ala)

Gene: ABCB11 (ATP binding cassette subfamily B member 11; minus strand). Cytogenetic location: 2q31.1.
Variant type: single nucleotide variant.
Coding change: c.851T>C on transcript NM_003742.4 (MANE Select); coding-DNA position 851, T replaced by C.
Protein change: p.Val284Ala; replaces valine 284 with alanine.
Molecular consequence: missense variant.
Genome position (GRCh38, 1-based): chr2:168,990,858, A>G on the plus strand (T>C on the coding strand, the complement: ABCB11 is on the minus strand). VCF-style: chr2-168990858-A-G. GRCh37 (hg19) VCF-style: chr2-169847368-A-G.
Other names: p.Val284Ala; c.851T>C, p.Val284Ala (LRG_1199t1); short protein forms V284A.
Identifiers: ClinVar variation 381717 (VCV000381717.19), dbSNP rs200739891, ClinGen allele CA1951783.

ClinVar aggregate classification (germline): Conflicting classifications of pathogenicity. Review status: criteria provided, conflicting classifications (1 of 4 stars). 9 submissions from 9 submitters: Uncertain significance (6); Likely benign (1). 2 of the submissions do not count toward it. Last evaluated 2026-04-27.

Conditions:
ABCB11-related disorder. Also called: ABCB11-related condition.
Familial intrahepatic cholestasis. Identifiers: Orphanet 284385, MedGen CN296401, MONDO:0017290.
Progressive familial intrahepatic cholestasis type 2. Identifiers: Orphanet 79304, MedGen C3489789, MONDO:0011156, OMIM 601847.

Allele frequency attached by ClinVar (database versions not stated): ESP Exome Variant Server 0.00017; TOPMed 0.00024; gnomAD 0.00025; gnomAD exomes 0.00026 and 0.00039; ExAC 0.00033.
gnomAD v4.1: 596 of 1,613,236 alleles (0.037%); highest among the groups gnomAD compares: Non-Finnish European, 0.045%; no homozygotes.

Submissions (9):

PreventionGenetics, part of Exact Sciences
Classification: Uncertain significance for ABCB11-related condition. Last evaluated: 2026-04-27. Review status: criteria provided, single submitter. Criteria: ACMG Guidelines, 2015. Collection method: clinical testing. Allele origin: germline.
Comment: The ABCB11 c.851T>C variant is predicted to result in the amino acid substitution p.Val284Ala. This variant was reported in one patient with progressive familial intrahepatic cholestasis (reported using the gene name BSEP in Table S5, Dröge et al. 2017. PubMed ID: 28733223). Different substitutions affecting the same residue (p.Val284Asp and p.Val284Leu) were reported to be associated with progressive familial intrahepatic cholestasis or intrahepatic cholestasis of pregnancy (Anzivino et al. 2013. PubMed ID: 23022423; Chen et al. 2008. PubMed ID: 18692205; Chen et al. 2008. PubMed ID: 18853996). Cell based studies suggest that the p.Val284Ala substitution lead to increased level of mature protein (Byrne et al. 2009. PubMed ID: 19101985). This variant is reported in 0.044% of alleles in individuals of European (Finnish) descent in gnomAD. Although we suspect this variant could be pathogenic, at this time, the clinical significance of this variant is uncertain due to the absence of conclusive functional and genetic evidence.

Genomenon, Inc
Classification: Uncertain significance for Familial intrahepatic cholestasis. Last evaluated: 2026-04-14. Review status: criteria provided, single submitter. Criteria: Genomenon Sequence Variant Interpretation Standards - Updated. Collection method: curation. Allele origin: germline. Affected: yes.
Comment: ABCB11 p.Val284Ala (c.851T>C) is a missense variant that changes the amino acid at residue 284 from Valine to Alanine. This variant has been observed in at least one proband with an ABCB11-related disorder (PMID:37471416;34961929;28733223;17264802). Functional studies have been reported (PMID:19101985;40195555). It is absent or not present at a significant frequency in gnomAD. In silico models predict that this variant is possibly or probably damaging. In conclusion, we classify ABCB11 p.Val284Ala (c.851T>C) as a variant of uncertain significance.

Mayo Clinic Laboratories, Mayo Clinic
Classification: Uncertain significance. Last evaluated: 2025-12-04. Review status: criteria provided, single submitter. Criteria: ACMG Guidelines, 2015. Collection method: clinical testing. Allele origin: germline. Observed: 1 variant allele.
Comment: PP3, PM2_supporting

Department of Pathology and Laboratory Medicine, Sinai Health System
Classification: Uncertain significance for progressive familial intrahepatic cholestasis type 2. Last evaluated: 2023-03-10. Review status: criteria provided, single submitter. Criteria: ACMG Guidelines, 2015. Collection method: research. Allele origin: germline.

GeneDx
Classification: Likely benign. Last evaluated: 2019-02-26. Review status: criteria provided, single submitter. Criteria: GeneDx Variant Classification Process June 2021. Collection method: clinical testing. Allele origin: germline. Affected: yes.
Comment: This variant is associated with the following publications: (PMID: 16763017, 14999697, 23022423, 19101985, 17181454, 19571440, 22795478, 28733223)

Eurofins Ntd Llc (ga)
Classification: Uncertain significance. Last evaluated: 2017-12-21. Review status: criteria provided, single submitter. Criteria: EGL Classification Definitions 2015. Collection method: clinical testing. Allele origin: germline. Observed: 3 variant alleles, 3 heterozygotes.

Illumina Laboratory Services, Illumina
Classification: Uncertain significance for Progressive familial intrahepatic cholestasis type 2. Last evaluated: 2017-04-28. Review status: criteria provided, single submitter. Criteria: ICSL Variant Classification Criteria 13 December 2019. Collection method: clinical testing. Allele origin: germline.
Comment: This variant was observed as part of a predisposition screen in an ostensibly healthy population. A literature search was performed for the gene, cDNA change, and amino acid change (where applicable). Publications were found based on this search. However, the evidence from the literature, in combination with allele frequency data from public databases where available, was not sufficient to rule this variant in or out of causing disease. Therefore, this variant is classified as a variant of unknown significance.

Clinical Genetics DNA and cytogenetics Diagnostics Lab, Erasmus MC, Erasmus Medical Center
Classification: Uncertain significance. Review status: no assertion criteria provided. Collection method: clinical testing. Allele origin: germline. Affected: yes. Study: VKGL Data-share Consensus. Not counted in ClinVar's aggregate classification.

Diagnostic Laboratory, Department of Genetics, University Medical Center Groningen
Classification: Uncertain significance. Review status: no assertion criteria provided. Collection method: clinical testing. Allele origin: germline. Affected: yes. Study: VKGL Data-share Consensus. Not counted in ClinVar's aggregate classification.

Literature cited by the submitters: PubMed 37471416 (cited by Genomenon, Inc and Mayo Clinic Laboratories, Mayo Clinic); PubMed 34961929 (cited by Genomenon, Inc and Mayo Clinic Laboratories, Mayo Clinic); PubMed 28733223 (cited by Genomenon, Inc and Mayo Clinic Laboratories, Mayo Clinic); PubMed 17264802 (cited by Genomenon, Inc); PubMed 19101985 (cited by 3 submitters); PubMed 40195555 (cited by Genomenon, Inc); PubMed 11815775 (cited by Mayo Clinic Laboratories, Mayo Clinic); PubMed 14999697 (cited by Mayo Clinic Laboratories, Mayo Clinic and Illumina Laboratory Services, Illumina); PubMed 16763017 (cited by Mayo Clinic Laboratories, Mayo Clinic and Illumina Laboratory Services, Illumina); PubMed 18692205 (cited by Mayo Clinic Laboratories, Mayo Clinic); PubMed 18853996 (cited by Mayo Clinic Laboratories, Mayo Clinic); PubMed 22795478 (cited by Mayo Clinic Laboratories, Mayo Clinic); PubMed 23022423 (cited by Mayo Clinic Laboratories, Mayo Clinic); PubMed 24627769 (cited by Mayo Clinic Laboratories, Mayo Clinic); PubMed 37208429 (cited by Mayo Clinic Laboratories, Mayo Clinic).